The following is an entry in ClinVar:

NM_007194.4(CHEK2):c.1061T>A (p.Leu354Ter)

Gene: CHEK2 (checkpoint kinase 2; minus strand). Cytogenetic location: 22q12.1.
Variant type: single nucleotide variant.
Coding change: c.1061T>A on transcript NM_007194.4 (MANE Select); coding-DNA position 1061, T replaced by A.
Protein change: p.Leu354Ter; replaces leucine 354 with a stop codon.
Molecular consequence: nonsense. On other transcripts: intron variant (3).
Genome position (GRCh38, 1-based): chr22:28,696,935, A>T on the plus strand (T>A on the coding strand, the complement: CHEK2 is on the minus strand). VCF-style: chr22-28696935-A-T. GRCh37 (hg19) VCF-style: chr22-29092923-A-T.
Other names: c.1190T>A, p.Leu397Ter (NM_001005735.3); c.398T>A, p.Leu133Ter (NM_001257387.3, NM_001437942.1); c.860T>A, p.Leu287Ter (NM_001349956.3); c.1154T>A, p.Leu385Ter (NM_001438293.1); c.1009-1062T>A (NM_145862.3); c.1102-1062T>A (NM_001438295.1); c.1138-1062T>A (NM_001438294.1); short protein forms L354*, L133*, L287*, L397*, L385*.
Identifiers: ClinVar variation 1436346 (VCV001436346.8), dbSNP rs2145816590, ClinGen allele CA411097603.
Genomic context (GRCh38, chr22:28,696,935, plus strand): 5'-CCACATACAGAATGCCAATTTCTTACCTTTATAAGACAGTCCTCTTCTTGAGATGACAGT[A>T]AAACATTCTCTGGCTTTAAGTCACGGTGTATAATACCGTTTTCATGAAGGTACTACACAG-3'

ClinVar aggregate classification (germline): Pathogenic. Review status: criteria provided, multiple submitters, no conflicts (2 of 4 stars). 2 submissions from 2 submitters: Pathogenic (2). Last evaluated 2024-08-20.

Conditions:
Familial cancer of breast. Also called: hereditary breast carcinoma; BREAST CANCER, FAMILIAL; Hereditary breast cancer. Identifiers: Orphanet 227535, MedGen C0346153, MONDO:0016419, OMIM 114480. Disease mechanism: loss of function.
Hereditary cancer-predisposing syndrome. Also called: Neoplastic Syndromes, Hereditary; Hereditary Cancer Syndrome; Hereditary neoplastic syndrome; Tumor predisposition. Identifiers: Orphanet 140162, MedGen C0027672, MeSH D009386, MONDO:0015356.

Submissions (2):

Ambry Genetics
Classification: Pathogenic for Hereditary cancer-predisposing syndrome. Last evaluated: 2024-08-20. Review status: criteria provided, single submitter. Criteria: Ambry Variant Classification Scheme 2023. Collection method: clinical testing. Allele origin: germline.
Comment: The p.L354* pathogenic mutation (also known as c.1061T>A), located in coding exon 9 of the CHEK2 gene, results from a T to A substitution at nucleotide position 1061. This changes the amino acid from a leucine to a stop codon within coding exon 9. This variant is considered to be rare based on population cohorts in the Genome Aggregation Database (gnomAD). This alteration is expected to result in loss of function by premature protein truncation or nonsense-mediated mRNA decay. As such, this alteration is interpreted as a disease-causing mutation.

Labcorp Genetics (formerly Invitae), Labcorp
Classification: Pathogenic for Familial cancer of breast. Last evaluated: 2021-09-07. Review status: criteria provided, single submitter. Criteria: Invitae Variant Classification Sherloc (09022015). Collection method: clinical testing. Allele origin: germline.
Comment: For these reasons, this variant has been classified as Pathogenic. This variant has not been reported in the literature in individuals with CHEK2-related conditions. This variant is not present in population databases (ExAC no frequency). This sequence change creates a premature translational stop signal (p.Leu354*) in the CHEK2 gene. It is expected to result in an absent or disrupted protein product. Loss-of-function variants in CHEK2 are known to be pathogenic (PMID: 21876083, 24713400).

Literature cited by the submitters: PubMed 21876083 (cited by Labcorp Genetics (formerly Invitae), Labcorp); PubMed 24713400 (cited by Labcorp Genetics (formerly Invitae), Labcorp).